The following continues an entry in ClinVar:

NM_000169.3(GLA):c.1055C>G (p.Ala352Gly)

ClinVar aggregate classification (germline): Conflicting classifications of pathogenicity. Pathogenic (2); Likely pathogenic (1); Uncertain significance (8).

Submissions 10 to 15 of 15:

Broad Center for Mendelian Genomics, Broad Institute of MIT and Harvard
Classification: Uncertain significance for Fabry disease. Last evaluated: 2020-01-22. Review status: criteria provided, single submitter. Criteria: ACMG Guidelines, 2015. Collection method: curation. Allele origin: germline. Inheritance: X-linked inheritance.
Comment: The p.Ala352Gly variant in GLA has not been previously reported in individuals with Fabry disease but has been identified in 0.0052% (1/19077) of South Asian chromosomes by the Genome Aggregation Database, including 1 hemizygote (gnomAD; dbSNP rs869312162). Although this variant has been seen in the general population, its frequency is low enough to be consistent with Fabry disease. Please note that for diseases with clinical variability, or reduced penetrance, pathogenic variants may be present at a low frequency in the general population. This variant has been reported in ClinVar as Likely Pathogenic by Sonic Healthcare and as a VUS by the Laboratory for Molecular Medicine and the Albrecht-Kossel-Institute (Variation ID:217410). In vitro functional studies provide some evidence that the p.Ala352Gly variant may not impact protein function (PMID: 26415523). However, these types of assays may not accurately represent biological function. Computational prediction tools and conservation analyses do not provide strong support for or against an impact to the protein. In summary, the clinical significance of the p.Ala352Gly variant is uncertain. ACMG/AMP Criteria applied: PM2_supporting, BS3_supporting, PM4 (Richards 2015).

X-linked inheritance (primarily recessive with milder female expression)

Laboratory for Molecular Medicine, Mass General Brigham Personalized Medicine
Classification: Uncertain significance. Last evaluated: 2019-06-28. Review status: criteria provided, single submitter. Criteria: LMM Criteria. Collection method: clinical testing. Allele origin: germline. Observed: 1 variant allele.
Comment: The p.Ala352Gly variant in GLA has not been previously reported in individuals with clinical features of Fabry disease, but was reported in two individuals with unreported clinical status who were tested for Fabry disease (Lukas 2016). It was also identified in 1/19077 South Asian chromosomes by gnomAD and has been reported in ClinVar (Variation ID #217410). In vitro studies suggest that that this variant has a mild reduction in enzymatic activity (Lukas 2016), but these assays may not accurately represent biological function. Computational prediction tools and conservation analysis suggest that this variant may impact the protein, though this information is not predictive enough to determine pathogenicity. In summary, the clinical significance of the p.Ala352Gly variant is uncertain.

Natera, Inc.
Classification: Uncertain significance for Fabry disease. Last evaluated: 2020-09-16. Review status: no assertion criteria provided. Collection method: clinical testing. Allele origin: germline. Not counted in ClinVar's aggregate classification.

Bioscientia Institut fuer Medizinische Diagnostik GmbH, Sonic Healthcare
Classification: Likely pathogenic for Fabry disease. Last evaluated: 2018-05-17. Review status: no assertion criteria provided. Collection method: clinical testing. Allele origin: germline. Affected: yes. Not counted in ClinVar's aggregate classification.

Albrecht-Kossel-Institute, Medical University Rostock
Classification: Uncertain significance for Fabry's disease. Last evaluated: 2014-01-01. Review status: no assertion criteria provided. Collection method: research. Allele origin: inherited. Not counted in ClinVar's aggregate classification.

Albrecht-Kossel-Institute, Medical University Rostock
Classification: drug response for deoxygalactonojirimycin response. Last evaluated: 2014-01-01. Review status: no assertion criteria provided. Collection method: research. Allele origin: inherited. Not counted in ClinVar's aggregate classification.

Literature cited by the submitters: PubMed 41010031 (cited by Genomenon, Inc); PubMed 26415523 (cited by 8 submitters); PubMed 32789421 (cited by 4 submitters); PubMed 27916943 (cited by Women's Health and Genetics/Laboratory Corporation of America, LabCorp); PubMed 31860127 (cited by Women's Health and Genetics/Laboratory Corporation of America, LabCorp and Color Diagnostics, LLC DBA Color Health); PubMed 34679477 (cited by Women's Health and Genetics/Laboratory Corporation of America, LabCorp); PubMed 36177613 (cited by Women's Health and Genetics/Laboratory Corporation of America, LabCorp); PubMed 35234813 (cited by Women's Health and Genetics/Laboratory Corporation of America, LabCorp); PubMed 12920095 (cited by Labcorp Genetics (formerly Invitae), Labcorp and 3billion); PubMed 33016649 (cited by Labcorp Genetics (formerly Invitae), Labcorp).